The following is an entry in ClinVar:

ClinVar aggregate classification (germline): Uncertain significance (1 of 4 stars; one submission).

Conditions:
Hereditary pancreatitis (PCTT). Also called: Hereditary chronic pancreatitis; PRSS1-Related Hereditary Pancreatitis. Identifiers: Orphanet 676, MedGen C0238339, MONDO:0008185, OMIM 167800.

Submission:

Ambry Genetics
Classification: Uncertain significance for Hereditary pancreatitis. Last evaluated: 2020-09-29. Review status: criteria provided, single submitter. Criteria: Ambry Variant Classification Scheme 2023. Collection method: clinical testing. Allele origin: germline.
Comment: The p.I119V variant (also known as c.355A>G), located in coding exon 3 of the PRSS1 gene, results from an A to G substitution at nucleotide position 355. The isoleucine at codon 119 is replaced by valine, an amino acid with highly similar properties. This amino acid position is poorly conserved in available vertebrate species. In addition, the in silico prediction for this alteration is inconclusive. Since supporting evidence is limited at this time, the clinical significance of this alteration remains unclear.

NM_002769.5(PRSS1):c.355A>G (p.Ile119Val)

Genes: TRB (T cell receptor beta locus; plus strand), PRSS1 (serine protease 1; plus strand). Cytogenetic location: 7q34.
Variant type: single nucleotide variant.
Coding change: c.355A>G on transcript NM_002769.5 (MANE Select); coding-DNA position 355, A replaced by G.
Protein change: p.Ile119Val; replaces isoleucine 119 with valine.
Molecular consequence: missense variant. On other transcripts: non-coding transcript variant (5).
Genome position (GRCh38, 1-based): chr7:142,751,928, A>G. VCF-style: chr7-142751928-A-G. GRCh37 (hg19) VCF-style: chr7-142459779-A-G.
Other names: short protein forms I119V.
Identifiers: ClinVar variation 1732672 (VCV001732672.2), dbSNP rs2485754030, ClinGen allele CA369608908.